The following is an entry in ClinVar:

NM_130849.4(SLC39A4):c.113dup (p.Leu39fs)

Gene: SLC39A4 (solute carrier family 39 member 4; minus strand). Cytogenetic location: 8q24.3.
Variant type: Duplication.
Coding change: c.113dup on transcript NM_130849.4 (MANE Select); coding-DNA position 113, one base duplicated (C; older notation c.113dupC).
Protein change: p.Leu39fs; shifts the reading frame from leucine 39.
Molecular consequence: frameshift variant.
Genome position (GRCh38, 1-based): chr8:144,416,677, G duplicated on the plus strand (C on the coding strand, the reverse complement: SLC39A4 is on the minus strand). VCF-style (leftmost placement, unchanged base first): chr8-144416676-A-AG. GRCh37 (hg19) VCF-style: chr8-145642060-A-AG.
Other names: c.113dup, p.Leu39fs (NM_001374839.1); short protein forms L39fs.
Identifiers: ClinVar variation 2711680 (VCV002711680.3), dbSNP rs2537440313, ClinGen allele CA2697550264.

ClinVar aggregate classification (germline): Pathogenic (1 of 4 stars; one submission).

Submission:

Labcorp Genetics (formerly Invitae), Labcorp
Classification: Pathogenic. Last evaluated: 2023-06-11. Review status: criteria provided, single submitter. Criteria: Invitae Variant Classification Sherloc (09022015). Collection method: clinical testing. Allele origin: germline.
Comment: For these reasons, this variant has been classified as Pathogenic. This sequence change creates a premature translational stop signal (p.Leu39Serfs*40) in the SLC39A4 gene. It is expected to result in an absent or disrupted protein product. Loss-of-function variants in SLC39A4 are known to be pathogenic (PMID: 12955721). This variant is not present in population databases (gnomAD no frequency). This variant has not been reported in the literature in individuals affected with SLC39A4-related conditions.

Literature cited by the submitters: PubMed 12955721.